The following is an entry in ClinVar:

NM_000083.3(CLCN1):c.907T>G (p.Trp303Gly)

Gene: CLCN1 (chloride voltage-gated channel 1; plus strand). Cytogenetic location: 7q34.
Variant type: single nucleotide variant.
Coding change: c.907T>G on transcript NM_000083.3 (MANE Select); coding-DNA position 907, T replaced by G.
Protein change: p.Trp303Gly; replaces tryptophan 303 with glycine.
Molecular consequence: missense variant. On other transcripts: non-coding transcript variant (1).
Genome position (GRCh38, 1-based): chr7:143,330,825, T>G. VCF-style: chr7-143330825-T-G. GRCh37 (hg19) VCF-style: chr7-143027918-T-G.
Other names: short protein forms W303G.
Identifiers: ClinVar variation 432168 (VCV000432168.7), dbSNP rs1554436427, ClinGen allele CA369641598.
Genomic context (GRCh38, chr7:143,330,825, plus strand): 5'-CCTGCAGGAGTGCTATTTAGCATCGAGGTCACCTCCACCTACTTTGCTGTTCGGAACTAC[T>G]GGAGAGGATTCTTTGCAGCCACGTTCAGCGCCTTTGTGTTTCGAGTGCTGGCAGTGTGGA-3'
Protein context (NP_000074.3, residues 293-313): TSTYFAVRNY[Trp303Gly]RGFFAATFSA

ClinVar aggregate classification (germline): Conflicting classifications of pathogenicity. Review status: criteria provided, conflicting classifications (1 of 4 stars). 2 submissions from 2 submitters: Likely pathogenic (1); Uncertain significance (1). Last evaluated 2021-09-24.

Conditions:
Congenital myotonia, autosomal recessive form. Also called: myotonia congenita, autosomal recessive; BECKER DISEASE; Becker Generalized Myotonia. Identifiers: Orphanet 614, MedGen C0751360, MONDO:0009715, OMIM 255700.
Congenital myotonia, autosomal dominant form (THD). Also called: THOMSEN DISEASE; Myotonia congenita autosomal dominant. Identifiers: Orphanet 614, MedGen C2936781, MONDO:0008055, OMIM 160800.

Submissions (2):

Labcorp Genetics (formerly Invitae), Labcorp
Classification: Uncertain significance for Congenital myotonia, autosomal recessive form; Congenital myotonia, autosomal dominant form. Last evaluated: 2021-09-24. Review status: criteria provided, single submitter. Criteria: Invitae Variant Classification Sherloc (09022015). Collection method: clinical testing. Allele origin: germline.
Comment: This sequence change replaces tryptophan with glycine at codon 303 of the CLCN1 protein (p.Trp303Gly). The tryptophan residue is highly conserved and there is a large physicochemical difference between tryptophan and glycine. This variant is not present in population databases (ExAC no frequency). This variant has not been reported in the literature in individuals with CLCN1-related conditions. ClinVar contains an entry for this variant (Variation ID: 432168). Advanced modeling of protein sequence and biophysical properties (such as structural, functional, and spatial information, amino acid conservation, physicochemical variation, residue mobility, and thermodynamic stability) performed at Invitae indicates that this missense variant is expected to disrupt CLCN1 protein function. In summary, the available evidence is currently insufficient to determine the role of this variant in disease. Therefore, it has been classified as a Variant of Uncertain Significance.

GeneDx
Classification: Likely pathogenic. Last evaluated: 2016-06-14. Review status: criteria provided, single submitter. Criteria: GeneDx Variant Classification (06012015). Collection method: clinical testing. Allele origin: germline. Affected: yes.
Comment: The W303G variant has not been published as a pathogenic variant, nor has it been reported as a benign variant to our knowledge. It was not observed in approximately 6,500 individuals of European and African American ancestry in the NHLBI Exome Sequencing Project, indicating it is not a common benign variant in these populations. The W303G variant is a semi-conservative amino acid substitution, which may impact secondary protein structure as these residues differ in some properties. Additionally, this substitution occurs at a position that is conserved across species, and missense variants in the same residue (W303R) and in nearby residues (V299L; Y302H; Y302C; R304S; G305E; F306L) have been reported in the Human Gene Mutation Database in association with myotonia congenita (Stenson et al., 2014), supporting the functional importance of this region of the protein. In silico analysis predicts this variant is probably damaging to the protein structure/function. Therefore, this variant is likely pathogenic; however, the possibility that it is benign cannot be excluded.